The following is an entry in ClinVar:

NM_001113378.2(FANCI):c.1995T>G (p.Asp665Glu)

Gene: FANCI (FA complementation group I; plus strand). Cytogenetic location: 15q26.1.
Variant type: single nucleotide variant.
Coding change: c.1995T>G on transcript NM_001113378.2 (MANE Select); coding-DNA position 1995, T replaced by G.
Protein change: p.Asp665Glu; replaces aspartic acid 665 with glutamic acid.
Molecular consequence: missense variant.
Genome position (GRCh38, 1-based): chr15:89,292,690, T>G. VCF-style: chr15-89292690-T-G. GRCh37 (hg19) VCF-style: chr15-89835921-T-G.
Other names: c.1716T>G, p.Asp572Glu (NM_001376910.1); c.1995T>G, p.Asp665Glu (NM_001376911.1, NM_018193.3); short protein forms D572E, D665E.
Identifiers: ClinVar variation 4778604 (VCV004778604.1).

ClinVar aggregate classification (germline): Uncertain significance (1 of 4 stars; one submission).

Conditions:
Fanconi anemia (FA). Also called: Fanconi's anemia. Identifiers: Orphanet 84, MedGen C0015625, MeSH D005199, MONDO:0019391.

gnomAD v4.1: 3 of 1,613,306 alleles (0.00019%); highest among the groups gnomAD compares: Non-Finnish European, 0.00025%; no homozygotes.

Submission:

Labcorp Genetics (formerly Invitae), Labcorp
Classification: Uncertain significance for Fanconi anemia. Last evaluated: 2025-11-30. Review status: criteria provided, single submitter. Criteria: Invitae Variant Classification Sherloc (09022015). Collection method: clinical testing. Allele origin: germline.
Comment: This sequence change replaces aspartic acid, which is acidic and polar, with glutamic acid, which is acidic and polar, at codon 665 of the FANCI protein (p.Asp665Glu). This variant is present in population databases (rs760925670, gnomAD 0.002%). This variant has not been reported in the literature in individuals affected with FANCI-related conditions. An algorithm developed to predict the effect of missense changes on protein structure and function (PolyPhen-2) suggests that this variant is likely to be tolerated. In summary, the available evidence is currently insufficient to determine the role of this variant in disease. Therefore, it has been classified as a Variant of Uncertain Significance.